The following is an entry in ClinVar:

ClinVar aggregate classification (germline): Uncertain significance (1 of 4 stars; one submission).

gnomAD v4.1: 1 of 1,613,796 alleles (0.000062%); highest among the groups gnomAD compares: Admixed American, 0.0017%; no homozygotes.

Submission:

OLLIN Analises Genomicas, OLLIN
Classification: Uncertain significance. Last evaluated: 2026-08-06. Review status: criteria provided, single submitter. Criteria: ACMG Guidelines 2015 PMID 25741868. Collection method: clinical testing. Allele origin: germline.
Comment: This missense variant, located in exon 3 (of 18), has been observed in gnomAD with an allele frequency of 0.000062%, but has not been reported in ClinVar or identified in the literature. In silico analysis predicts that this variant has a tolerated effect. According to the currently available evidence, this variant has been classified as uncertain significance (PM2_P, BP4).

NM_001182.5(ALDH7A1):c.253G>T (p.Val85Leu)

Gene: ALDH7A1 (aldehyde dehydrogenase 7 family member A1; minus strand). Cytogenetic location: 5q23.2.
Variant type: single nucleotide variant.
Coding change: c.253G>T on transcript NM_001182.5 (MANE Select); coding-DNA position 253, G replaced by T.
Protein change: p.Val85Leu; replaces valine 85 with leucine.
Molecular consequence: missense variant.
Genome position (GRCh38, 1-based): chr5:126,592,723, C>A on the plus strand (G>T on the coding strand, the complement: ALDH7A1 is on the minus strand). VCF-style: chr5-126592723-C-A. GRCh37 (hg19) VCF-style: chr5-125928415-C-A.
Other names: c.169G>T, p.Val57Leu (NM_001201377.2); c.253G>T, p.Val85Leu (NM_001202404.2); short protein forms V57L, V85L.
Identifiers: ClinVar variation 5003097 (VCV005003097.1).